The following is an entry in ClinVar:

NM_005189.3(CBX2):c.1043C>G (p.Thr348Ser)

Gene: CBX2 (chromobox 2; plus strand). Cytogenetic location: 17q25.3.
Variant type: single nucleotide variant.
Coding change: c.1043C>G on transcript NM_005189.3 (MANE Select); coding-DNA position 1043, C replaced by G.
Protein change: p.Thr348Ser; replaces threonine 348 with serine.
Molecular consequence: missense variant.
Genome position (GRCh38, 1-based): chr17:79,784,486, C>G. VCF-style: chr17-79784486-C-G. GRCh37 (hg19) VCF-style: chr17-77758285-C-G.
Other names: short protein forms T348S.
Identifiers: ClinVar variation 2054066 (VCV002054066.5), dbSNP rs782047271, ClinGen allele CA401337873.

ClinVar aggregate classification (germline): Uncertain significance. Review status: criteria provided, multiple submitters, no conflicts (2 of 4 stars). 2 submissions from 2 submitters: Uncertain significance (2). Last evaluated 2022-05-27.

Allele frequency attached by ClinVar (database versions not stated): gnomAD 0.00002.
gnomAD v4.1: 7 of 1,612,588 alleles (0.00043%); highest among the groups gnomAD compares: Non-Finnish European, 0.00059%; no homozygotes.

Submissions (2):

Ambry Genetics
Classification: Uncertain significance. Last evaluated: 2022-05-27. Review status: criteria provided, single submitter. Criteria: Ambry Variant Classification Scheme 2023. Collection method: clinical testing. Allele origin: germline.

Labcorp Genetics (formerly Invitae), Labcorp
Classification: Uncertain significance. Last evaluated: 2021-12-23. Review status: criteria provided, single submitter. Criteria: Invitae Variant Classification Sherloc (09022015). Collection method: clinical testing. Allele origin: germline.
Comment: In summary, the available evidence is currently insufficient to determine the role of this variant in disease. Therefore, it has been classified as a Variant of Uncertain Significance. Algorithms developed to predict the effect of missense changes on protein structure and function output the following: SIFT: "Tolerated"; PolyPhen-2: "Benign"; Align-GVGD: "Class C0". The serine amino acid residue is found in multiple mammalian species, which suggests that this missense change does not adversely affect protein function. This variant has not been reported in the literature in individuals affected with CBX2-related conditions. This variant is present in population databases (no rsID available, gnomAD 0.0009%). This sequence change replaces threonine, which is neutral and polar, with serine, which is neutral and polar, at codon 348 of the CBX2 protein (p.Thr348Ser).